The following is an entry in ClinVar:

ClinVar aggregate classification (germline): Uncertain significance (1 of 4 stars; one submission).

Conditions:
Multiple endocrine neoplasia, type 2 (MEN2). Identifiers: Orphanet 653, MedGen C4048306, MONDO:0019003. Disease mechanism: gain of function.

Submission:

Labcorp Genetics (formerly Invitae), Labcorp
Classification: Uncertain significance for Multiple endocrine neoplasia, type 2. Last evaluated: 2022-04-28. Review status: criteria provided, single submitter. Criteria: Invitae Variant Classification Sherloc (09022015). Collection method: clinical testing. Allele origin: germline.
Comment: This sequence change replaces glycine, which is neutral and non-polar, with aspartic acid, which is acidic and polar, at codon 93 of the RET protein (p.Gly93Asp). In summary, the available evidence is currently insufficient to determine the role of this variant in disease. Therefore, it has been classified as a Variant of Uncertain Significance. Algorithms developed to predict the effect of missense changes on protein structure and function are either unavailable or do not agree on the potential impact of this missense change (SIFT: "Deleterious"; PolyPhen-2: "Probably Damaging"; Align-GVGD: "Class C0"). This variant has not been reported in the literature in individuals affected with RET-related conditions. This variant is not present in population databases (gnomAD no frequency).

NM_020975.6(RET):c.278G>A (p.Gly93Asp)

Gene: RET (ret proto-oncogene; plus strand). Cytogenetic location: 10q11.21.
Variant type: single nucleotide variant.
Coding change: c.278G>A on transcript NM_020975.6 (MANE Select); coding-DNA position 278, G replaced by A.
Protein change: p.Gly93Asp; replaces glycine 93 with aspartic acid.
Molecular consequence: missense variant.
Genome position (GRCh38, 1-based): chr10:43,100,663, G>A. VCF-style: chr10-43100663-G-A. GRCh37 (hg19) VCF-style: chr10-43596111-G-A.
Other names: c.278G>A, p.Gly93Asp (NM_000323.2, NM_001406743.1, NM_001406744.1 and 34 more transcripts); short protein forms G93D.
Identifiers: ClinVar variation 2131000 (VCV002131000.4), dbSNP rs2492124261, ClinGen allele CA376770474.
Genomic context (GRCh38, chr10:43,100,663, plus strand): 5'-ACGGCACGTACCGCACACGGCTGCATGAGAACAACTGGATCTGCATCCAGGAGGACACCG[G>A]CCTCCTCTACCTTAACCGGAGCCTGGACCATAGCTCCTGGGAGAAGCTCAGTGTCCGCAG-3'
Protein context (NP_066124.1, residues 83-103): NNWICIQEDT[Gly93Asp]LLYLNRSLDH